The following is an entry in ClinVar:

ClinVar aggregate classification (germline): Conflicting classifications of pathogenicity. Review status: criteria provided, conflicting classifications (1 of 4 stars). 4 submissions from 4 submitters: Uncertain significance (1); Likely benign (3). Last evaluated 2025-11-01.

Allele frequency attached by ClinVar (database versions not stated): gnomAD exomes 0.00008 and 0.00015; TOPMed 0.00014; ExAC 0.00016; gnomAD 0.00023 and 0.00024.
gnomAD v4.1: 155 of 1,606,272 alleles (0.0096%); highest among the groups gnomAD compares: Admixed American, 0.092%; no homozygotes.

Submissions (4):

CeGaT Center for Human Genetics Tuebingen
Classification: Likely benign. Last evaluated: 2025-11-01. Review status: criteria provided, single submitter. Criteria: CeGaT Center For Human Genetics Tuebingen Variant Classification Criteria Version 2. Collection method: clinical testing. Allele origin: germline. Affected: yes. Observed: 1 variant allele.
Comment: ROR2: BP4, BP7

Labcorp Genetics (formerly Invitae), Labcorp
Classification: Likely benign. Last evaluated: 2025-10-29. Review status: criteria provided, single submitter. Criteria: Invitae Variant Classification Sherloc (09022015). Collection method: clinical testing. Allele origin: germline.

Blueprint Genetics
Classification: Likely benign. Last evaluated: 2024-04-25. Review status: criteria provided, single submitter. Criteria: ACMG Guidelines, 2015. Collection method: clinical testing. Allele origin: germline.

Eurofins Ntd Llc (ga)
Classification: Uncertain significance. Last evaluated: 2015-12-07. Review status: criteria provided, single submitter. Criteria: EGL Classification Definitions 2015. Collection method: clinical testing. Allele origin: germline. Observed: 1 variant allele, 1 heterozygote.

NM_004560.4(ROR2):c.1671G>A (p.Ser557=)

Gene: ROR2 (ROR family WNT receptor 2; minus strand). Cytogenetic location: 9q22.31.
Variant type: single nucleotide variant.
Coding change: c.1671G>A on transcript NM_004560.4 (MANE Select); coding-DNA position 1671, G replaced by A.
Protein change: p.Ser557=; no amino-acid change (serine 557 retained).
Molecular consequence: synonymous variant.
Genome position (GRCh38, 1-based): chr9:91,724,823, C>T on the plus strand (G>A on the coding strand, the complement: ROR2 is on the minus strand). VCF-style: chr9-91724823-C-T. GRCh37 (hg19) VCF-style: chr9-94487105-C-T.
Identifiers: ClinVar variation 284857 (VCV000284857.21), dbSNP rs201232887, ClinGen allele CA5120615.
Genomic context (GRCh38, chr9:91,724,823, plus strand): 5'-GGTGCTGCCCACGTCCGAGTGCGGCGAGCGCATGACCAGGAATTCGTGGAGGTCGCCGTG[C>T]GAACAGTAGCTGAAGATCATGCTCAGGGGCTGGTCCTTGGTCACCACGCCCAGCAGGCAG-3'
Protein context (NP_004551.2, residues 547-567): QPLSMIFSYC[Ser557=]HGDLHEFLVM